The following is an entry in ClinVar:

ClinVar aggregate classification (germline): Uncertain significance. Review status: criteria provided, multiple submitters, no conflicts (2 of 4 stars). 2 submissions from 2 submitters: Uncertain significance (2). Last evaluated 2025-10-16.

Conditions:
Hereditary cancer-predisposing syndrome. Also called: Tumor predisposition; Hereditary neoplastic syndrome; Hereditary Cancer Syndrome; Neoplastic Syndromes, Hereditary. Identifiers: Orphanet 140162, MedGen C0027672, MeSH D009386, MONDO:0015356.
Bloom syndrome (BLM). Also called: Bloom-Torre-Machacek syndrome. Identifiers: Orphanet 125, MedGen C0005859, MONDO:0008876, OMIM 210900.

gnomAD v4.1: 3 of 1,603,610 alleles (0.00019%); highest among the groups gnomAD compares: Non-Finnish European, 0.00026%; no homozygotes.

Submissions (2):

Ambry Genetics
Classification: Uncertain significance for Hereditary cancer-predisposing syndrome. Last evaluated: 2025-10-16. Review status: criteria provided, single submitter. Criteria: Ambry Variant Classification Scheme 2023. Collection method: clinical testing. Allele origin: germline.
Comment: The p.K38T variant (also known as c.113A>C), located in coding exon 2 of the BLM gene, results from an A to C substitution at nucleotide position 113. The lysine at codon 38 is replaced by threonine, an amino acid with similar properties. This amino acid position is highly conserved in available vertebrate species. In addition, the in silico prediction for this alteration is inconclusive. Since supporting evidence is limited at this time, the clinical significance of this alteration remains unclear.

Labcorp Genetics (formerly Invitae), Labcorp
Classification: Uncertain significance for Bloom syndrome. Last evaluated: 2021-08-03. Review status: criteria provided, single submitter. Criteria: Invitae Variant Classification Sherloc (09022015). Collection method: clinical testing. Allele origin: germline.
Comment: This variant has not been reported in the literature in individuals affected with BLM-related conditions. This variant is not present in population databases (ExAC no frequency). This sequence change replaces lysine with threonine at codon 38 of the BLM protein (p.Lys38Thr). The lysine residue is weakly conserved and there is a moderate physicochemical difference between lysine and threonine. In summary, the available evidence is currently insufficient to determine the role of this variant in disease. Therefore, it has been classified as a Variant of Uncertain Significance. Algorithms developed to predict the effect of missense changes on protein structure and function are either unavailable or do not agree on the potential impact of this missense change (SIFT: "Tolerated"; PolyPhen-2: "Probably Damaging"; Align-GVGD: "Class C0").

NM_000057.4(BLM):c.113A>C (p.Lys38Thr)

Gene: BLM (BLM RecQ like helicase; plus strand). Cytogenetic location: 15q26.1.
Variant type: single nucleotide variant.
Coding change: c.113A>C on transcript NM_000057.4 (MANE Select); coding-DNA position 113, A replaced by C.
Protein change: p.Lys38Thr; replaces lysine 38 with threonine.
Molecular consequence: missense variant. On other transcripts: 5 prime UTR variant (1).
Genome position (GRCh38, 1-based): chr15:90,749,381, A>C. VCF-style: chr15-90749381-A-C. GRCh37 (hg19) VCF-style: chr15-91292611-A-C.
Other names: c.113A>C, p.Lys38Thr (NM_001287246.2, NM_001287247.2); c.-1179A>C (NM_001287248.2); short protein forms K38T.
Identifiers: ClinVar variation 1461859 (VCV001461859.9), dbSNP rs2151146691, ClinGen allele CA393839333.